The following is an entry in ClinVar:

ClinVar aggregate classification (germline): Pathogenic (1 of 4 stars; one submission).

Conditions:
Peroxisome biogenesis disorder. Identifiers: Orphanet 79189, MedGen C1832200, MONDO:0019234. Disease mechanism: loss of function.

Submission:

Myriad Genetics, Inc.
Classification: Pathogenic for Peroxisome biogenesis disorder. Last evaluated: 2026-04-08. Review status: criteria provided, single submitter. Criteria: Myriad Autosomal Dominant, Autosomal Recessive and X-Linked Classification Criteria (2023). Collection method: clinical testing. Allele origin: unknown.
Comment: NM_153818.1(PEX10):c.437delG(R146Lfs*7) is expected to be pathogenic in the context of peroxisome biogenesis disorder type 6. This variant is predicted to lead to an abnormal or absent protein product due to the creation of a premature termination codon in PEX10, a gene where loss-of-function variants are known to be pathogenic. Please note: this variant was assessed in the context of healthy population screening.

NM_002617.4(PEX10):c.437del (p.Arg146fs)

Gene: PEX10 (peroxisomal biogenesis factor 10; minus strand). Cytogenetic location: 1p36.32.
Variant type: Deletion.
Coding change: c.437del on transcript NM_002617.4 (MANE Select); coding-DNA position 437, one base deleted (G; older notation c.437delG).
Protein change: p.Arg146fs; shifts the reading frame from arginine 146.
Molecular consequence: frameshift variant. On other transcripts: non-coding transcript variant (1).
Genome position (GRCh38, 1-based): chr1:2,408,615, C deleted on the plus strand (G on the coding strand, the reverse complement: PEX10 is on the minus strand). VCF-style (leftmost placement, unchanged base first): chr1-2408614-AC-A. GRCh37 (hg19) VCF-style: chr1-2340053-AC-A.
Other names: c.437del, p.Arg146fs (NM_001374425.1, NM_153818.2); c.5del, p.Arg2fs (NM_001374426.1, NM_001374427.1); short protein forms R146fs, R2fs.
Identifiers: ClinVar variation 5015777 (VCV005015777.1).